The following is an entry in ClinVar:

ClinVar aggregate classification (germline): Uncertain significance (1 of 4 stars; one submission).

Conditions:
Hereditary spastic paraplegia 30. Identifiers: Orphanet 101010, MedGen C5235139, MONDO:0012476.
Neuropathy, hereditary sensory, type 2C. Also called: Hereditary sensory and autonomic neuropathy type IIC; KIF1A-Related HSAN2 (HSAN2C). Identifiers: Orphanet 970, MedGen C3280168, MONDO:0013634, OMIM 614213.
Intellectual disability, autosomal dominant 9 (NESCAVS). Also called: NESCAV SYNDROME; KIF1A-Related Neurodevelopmental Disorder. Identifiers: Orphanet 662367, MedGen C5393830, MONDO:0013656, OMIM 614255.

Submission:

Labcorp Genetics (formerly Invitae), Labcorp
Classification: Uncertain significance for Hereditary spastic paraplegia 30; Neuropathy, hereditary sensory, type 2C; Intellectual disability, autosomal dominant 9. Last evaluated: 2021-12-28. Review status: criteria provided, single submitter. Criteria: Invitae Variant Classification Sherloc (09022015). Collection method: clinical testing. Allele origin: germline.
Comment: In summary, the available evidence is currently insufficient to determine the role of this variant in disease. Therefore, it has been classified as a Variant of Uncertain Significance. Advanced modeling of protein sequence and biophysical properties (such as structural, functional, and spatial information, amino acid conservation, physicochemical variation, residue mobility, and thermodynamic stability) performed at Invitae indicates that this missense variant is expected to disrupt KIF1A protein function. This variant has not been reported in the literature in individuals affected with KIF1A-related conditions. This variant is not present in population databases (gnomAD no frequency). This sequence change replaces leucine, which is neutral and non-polar, with proline, which is neutral and non-polar, at codon 379 of the KIF1A protein (p.Leu379Pro).

NM_001244008.2(KIF1A):c.1136T>C (p.Leu379Pro)

Gene: KIF1A (kinesin family member 1A; minus strand). Cytogenetic location: 2q37.3.
Variant type: single nucleotide variant.
Coding change: c.1136T>C on transcript NM_001244008.2 (MANE Select); coding-DNA position 1136, T replaced by C.
Protein change: p.Leu379Pro; replaces leucine 379 with proline.
Molecular consequence: missense variant.
Genome position (GRCh38, 1-based): chr2:240,773,158, A>G on the plus strand (T>C on the coding strand, the complement: KIF1A is on the minus strand). VCF-style: chr2-240773158-A-G. GRCh37 (hg19) VCF-style: chr2-241712575-A-G.
Other names: c.1136T>C, p.Leu379Pro (NM_001320705.2, NM_001330289.2, NM_001330290.2 and 21 more transcripts); short protein forms L379P.
Identifiers: ClinVar variation 2059797 (VCV002059797.4), dbSNP rs2537927001, ClinGen allele CA351295218.